The following is an entry in ClinVar:

NM_002382.5(MAX):c.320C>T (p.Ser107Leu)

Gene: MAX (MYC associated transcriptional regulator X; minus strand). Cytogenetic location: 14q23.3.
Variant type: single nucleotide variant.
Coding change: c.320C>T on transcript NM_002382.5 (MANE Select); coding-DNA position 320, C replaced by T.
Protein change: p.Ser107Leu; replaces serine 107 with leucine.
Molecular consequence: missense variant. On other transcripts: 3 prime UTR variant (12), non-coding transcript variant (7), intron variant (2).
Genome position (GRCh38, 1-based): chr14:65,076,639, G>A on the plus strand (C>T on the coding strand, the complement: MAX is on the minus strand). VCF-style: chr14-65076639-G-A. GRCh37 (hg19) VCF-style: chr14-65543357-G-A.
Other names: c.119C>T, p.Ser40Leu (NM_001407112.1, NM_001407111.1); c.293C>T, p.Ser98Leu (NM_145112.3, NM_001407095.1); c.*109C>T (NM_145113.3, NM_001407110.1, NM_001407097.1 and 4 more transcripts); c.144+17069C>T (NM_001271069.2); c.171+17069C>T (NM_197957.4); c.131C>T, p.Ser44Leu (NM_001320415.2, NM_001407105.1, NM_001407106.1 and 1 more transcripts); c.320C>T, p.Ser107Leu (NM_001407094.1); c.*93C>T (NM_001407096.1, NM_001407099.1, NM_001407102.1 and 2 more transcripts); and 1 more; short protein forms S44L, S98L, S107L, S40L, S71L.
Identifiers: ClinVar variation 3699392 (VCV003699392.2).

ClinVar aggregate classification (germline): Uncertain significance (1 of 4 stars; one submission).

Conditions:
Hereditary pheochromocytoma and paraganglioma. Also called: Hereditary paragangliomas and pheochromocytomas; Hereditary Paraganglioma-Pheochromocytoma Syndromes; Hereditary pheochromocytoma-paraganglioma. Identifiers: Orphanet 29072, MedGen C4274332, MONDO:0017366.

gnomAD v4.1: 5 of 1,614,186 alleles (0.00031%); highest among the groups gnomAD compares: Non-Finnish European, 0.00042%; no homozygotes.

Submission:

Labcorp Genetics (formerly Invitae), Labcorp
Classification: Uncertain significance for Hereditary pheochromocytoma and paraganglioma. Last evaluated: 2024-06-04. Review status: criteria provided, single submitter. Criteria: Invitae Variant Classification Sherloc (09022015). Collection method: clinical testing. Allele origin: germline.
Comment: This sequence change replaces serine, which is neutral and polar, with leucine, which is neutral and non-polar, at codon 107 of the MAX protein (p.Ser107Leu). This variant is not present in population databases (gnomAD no frequency). This variant has not been reported in the literature in individuals affected with MAX-related conditions. An algorithm developed to predict the effect of missense changes on protein structure and function (PolyPhen-2) suggests that this variant is likely to be tolerated. In summary, the available evidence is currently insufficient to determine the role of this variant in disease. Therefore, it has been classified as a Variant of Uncertain Significance.